The following is an entry in ClinVar:

NM_001031710.3(KLHL7):c.1229G>A (p.Trp410Ter)

Gene: KLHL7 (kelch like family member 7; plus strand). Cytogenetic location: 7p15.3.
Variant type: single nucleotide variant.
Coding change: c.1229G>A on transcript NM_001031710.3 (MANE Select); coding-DNA position 1229, G replaced by A.
Protein change: p.Trp410Ter; replaces tryptophan 410 with a stop codon.
Molecular consequence: nonsense. On other transcripts: non-coding transcript variant (1).
Genome position (GRCh38, 1-based): chr7:23,167,887, G>A. VCF-style: chr7-23167887-G-A. GRCh37 (hg19) VCF-style: chr7-23207506-G-A.
Other names: c.1085G>A, p.Trp362Ter (NM_018846.5); short protein forms W362*, W410*.
Identifiers: ClinVar variation 1301555 (VCV001301555.3), dbSNP rs2128469727, ClinGen allele CA366981767.

ClinVar aggregate classification (germline): Pathogenic (1 of 4 stars; one submission).

Conditions:
Retinitis pigmentosa 42 (RP42). Identifiers: Orphanet 791, MedGen C2751986, MONDO:0013052, OMIM 612943.

Submission:

Dubai Health Genomic Medicine Center, Dubai Health
Classification: Pathogenic for Retinitis pigmentosa 42. Last evaluated: 2024-10-04. Review status: criteria provided, single submitter. Criteria: ACMG Guidelines, 2015. Collection method: research. Allele origin: germline. Affected: yes.
Comment: PVS1, PM2,PP4